The following is an entry in ClinVar:

ClinVar aggregate classification (germline): Pathogenic. Review status: criteria provided, multiple submitters, no conflicts (2 of 4 stars). 3 submissions from 3 submitters: Pathogenic (3). Last evaluated 2024-09-22.

Conditions:
Periodontitis, aggressive. Identifiers: MedGen C0031106, MONDO:0980757.
Haim-Munk syndrome (HMS). Also called: COCHIN JEWISH DISORDER; KERATOSIS PALMOPLANTARIS WITH PERIODONTOPATHIA AND ONYCHOGRYPOSIS. Identifiers: Orphanet 2342, MedGen C1855627, MONDO:0009491, OMIM 245010.
Papillon-Lefèvre syndrome (PALS). Also called: KERATOSIS PALMOPLANTARIS WITH PERIODONTOPATHIA; Papillon-Lefevre Disease. Identifiers: Orphanet 678, MedGen C0030360, MONDO:0009490, OMIM 245000.

Submissions (3):

Labcorp Genetics (formerly Invitae), Labcorp
Classification: Pathogenic for Haim-Munk syndrome; Periodontitis, aggressive; Papillon-Lefèvre syndrome. Last evaluated: 2024-09-22. Review status: criteria provided, single submitter. Criteria: Invitae Variant Classification Sherloc (09022015). Collection method: clinical testing. Allele origin: germline.
Comment: This sequence change creates a premature translational stop signal (p.Leu381Serfs*13) in the CTSC gene. While this is not anticipated to result in nonsense mediated decay, it is expected to disrupt the last 83 amino acid(s) of the CTSC protein. This variant is present in population databases (rs772132996, gnomAD 0.02%). This premature translational stop signal has been observed in individual(s) with Papillon-Lefèvre syndrome (PMID: 11886537, 12112662, 29410039). ClinVar contains an entry for this variant (Variation ID: 523939). This variant disrupts a region of the CTSC protein in which other variant(s) (p.Trp429*) have been determined to be pathogenic (PMID: 10593994, 28242153, 29410039). This suggests that this is a clinically significant region of the protein, and that variants that disrupt it are likely to be disease-causing. For these reasons, this variant has been classified as Pathogenic.

Fulgent Genetics
Classification: Pathogenic for Periodontitis, aggressive 1; Papillon-Lefèvre syndrome; Haim-Munk syndrome. Last evaluated: 2022-02-22. Review status: criteria provided, single submitter. Criteria: ACMG Guidelines, 2015. Collection method: clinical testing. Allele origin: unknown.

GeneDx
Classification: Pathogenic. Last evaluated: 2018-03-14. Review status: criteria provided, single submitter. Criteria: GeneDx Variant Classification (06012015). Collection method: clinical testing. Allele origin: germline. Affected: yes.
Comment: The c.1141delC variant in the CTSC gene has been reported previously in association with Papillon-Lefevre syndrome (LefÃ¨vre et al., 2001; Selvaraju et al., 2003). The deletion causes a frameshift starting with codon Leucine 381, changes this amino acid to a Serine residue and creates a premature Stop codon at position 13 of the new reading frame, denoted p.Leu381SerfsX13. This variant is predicted to cause loss of normal protein function through protein truncation. Specifically, it is predicted that the last 83 correct residues will be lost and replaced by 12 incorrect residues. Functional studies demonstrated that the presence of the c.1141delC variant in conjunction with another pathogenic variant results in no measurable CTSC protease activity in leukocytes (Zhang et al., 2002). Additionally, the c.1141delC variant is not observed at a significant frequency in large population cohorts (Lek et al., 2016). Therefore, this variant is pathogenic, and this finding is consistent with a diagnosis of a CTSC-related disorder in this patient.

Literature cited by the submitters: PubMed 11886537 (cited by Labcorp Genetics (formerly Invitae), Labcorp); PubMed 12112662 (cited by Labcorp Genetics (formerly Invitae), Labcorp); PubMed 29410039 (cited by Labcorp Genetics (formerly Invitae), Labcorp); PubMed 10593994 (cited by Labcorp Genetics (formerly Invitae), Labcorp); PubMed 28242153 (cited by Labcorp Genetics (formerly Invitae), Labcorp).

NM_001814.6(CTSC):c.1141del (p.Leu381fs)

Gene: CTSC (cathepsin C; minus strand). Cytogenetic location: 11q14.2.
Variant type: Deletion.
Coding change: c.1141del on transcript NM_001814.6 (MANE Select); coding-DNA position 1141, one base deleted (C; older notation c.1141delC).
Protein change: p.Leu381fs; shifts the reading frame from leucine 381.
Molecular consequence: frameshift variant.
Genome position (GRCh38, 1-based): chr11:88,294,257, G deleted on the plus strand (C on the coding strand, the reverse complement: CTSC is on the minus strand); the first of 2 consecutive G bases (chr11:88,294,257-88,294,258); deleting either gives the same sequence. VCF-style (leftmost placement, unchanged base first): chr11-88294256-AG-A. GRCh37 (hg19) VCF-style: chr11-88027424-AG-A.
Other names: c.1141del (LRG_50t1); short protein forms L381fs.
Identifiers: ClinVar variation 523939 (VCV000523939.10), dbSNP rs772132996, ClinGen allele CA6219768.